The following is an entry in ClinVar:

NM_000435.3(NOTCH3):c.1903C>T (p.Arg635Cys)

Gene: NOTCH3 (notch receptor 3; minus strand). Cytogenetic location: 19p13.12.
Variant type: single nucleotide variant.
Coding change: c.1903C>T on transcript NM_000435.3 (MANE Select); coding-DNA position 1903, C replaced by T.
Protein change: p.Arg635Cys; replaces arginine 635 with cysteine.
Molecular consequence: missense variant.
Genome position (GRCh38, 1-based): chr19:15,186,926, G>A on the plus strand (C>T on the coding strand, the complement: NOTCH3 is on the minus strand). VCF-style: chr19-15186926-G-A. GRCh37 (hg19) VCF-style: chr19-15297737-G-A.
Other names: short protein forms R635C.
Identifiers: ClinVar variation 978703 (VCV000978703.30), dbSNP rs753801611, ClinGen allele CA9263508.

ClinVar aggregate classification (germline): Conflicting classifications of pathogenicity. Review status: criteria provided, conflicting classifications (1 of 4 stars). 3 submissions from 3 submitters: Likely pathogenic (1); Uncertain significance (1). 1 of the submissions does not count toward it. Last evaluated 2023-11-01.

Conditions:
Cerebral arteriopathy with subcortical infarcts and leukoencephalopathy 2.

Allele frequency attached by ClinVar (database versions not stated): ExAC 0.00001.
gnomAD v4.1: 1 of 1,614,180 alleles (0.000062%); highest among the groups gnomAD compares: Admixed American, 0.0017%; no homozygotes.

Submissions (3):

CeGaT Center for Human Genetics Tuebingen
Classification: Likely pathogenic. Last evaluated: 2023-11-01. Review status: criteria provided, single submitter. Criteria: CeGaT Center For Human Genetics Tuebingen Variant Classification Criteria Version 2. Collection method: clinical testing. Allele origin: germline. Affected: yes. Observed: 1 variant allele.
Comment: NOTCH3: PM1:Strong, PM2:Supporting, PP2

Labcorp Genetics (formerly Invitae), Labcorp
Classification: Uncertain significance. Last evaluated: 2022-02-19. Review status: criteria provided, single submitter. Criteria: Invitae Variant Classification Sherloc (09022015). Collection method: clinical testing. Allele origin: germline.
Comment: ClinVar contains an entry for this variant (Variation ID: 978703). In summary, the available evidence is currently insufficient to determine the role of this variant in disease. Therefore, it has been classified as a Variant of Uncertain Significance. Advanced modeling of protein sequence and biophysical properties (such as structural, functional, and spatial information, amino acid conservation, physicochemical variation, residue mobility, and thermodynamic stability) performed at Invitae indicates that this missense variant is expected to disrupt NOTCH3 protein function. This variant has not been reported in the literature in individuals affected with NOTCH3-related conditions. This variant is present in population databases (rs753801611, gnomAD 0.006%). This sequence change replaces arginine, which is basic and polar, with cysteine, which is neutral and slightly polar, at codon 635 of the NOTCH3 protein (p.Arg635Cys).

Istanbul Faculty of Medicine, Istanbul University
Classification: Uncertain significance for Cerebral arteriopathy with subcortical infarcts and leukoencephalopathy 2. Last evaluated: 2020-08-26. Review status: no assertion criteria provided. Collection method: clinical testing. Allele origin: germline. Affected: yes. Observed: 1 variant allele. Not counted in ClinVar's aggregate classification.

Literature cited by the submitters: DOI 10.4274/tnd.2021.91298 (cited by Istanbul Faculty of Medicine, Istanbul University).